The following is an entry in ClinVar:

NM_000487.6(ARSA):c.685-3del

Gene: ARSA (arylsulfatase A; minus strand). Cytogenetic location: 22q13.33.
Variant type: Deletion.
Coding change: c.685-3del on transcript NM_000487.6 (MANE Select); 3 bases into the intron before coding-DNA position 685, one base deleted (C; older notation c.685-3delC).
Molecular consequence: intron variant.
Genome position (GRCh38, 1-based): chr22:50,626,763, G deleted on the plus strand (C on the coding strand, the reverse complement: ARSA is on the minus strand); the first of 5 consecutive G bases (chr22:50,626,763-50,626,767); deleting any one gives the same sequence. VCF-style (leftmost placement, unchanged base first): chr22-50626762-TG-T. GRCh37 (hg19) VCF-style: chr22-51065190-TG-T.
Other names: c.427-3del (NM_001362782.2, NM_001085428.3); c.685-3del (NM_001085427.3, NM_001085426.3, NM_001085425.3).
Identifiers: ClinVar variation 1711556 (VCV001711556.30), dbSNP rs2082676634, ClinGen allele CA2410959223.
Genomic context (GRCh38, chr22:50,626,762, plus strand): 5'-GGCCCGCGGCCTGAACGCTCTGCAAAGCTCTGCCCACTGAACTGAGGGTAGTGGGTGTGC[TG>T]GGGGCAAAGACTGGAGTTAGCACTGGGTAGGGGTCACGGGCAGCCAGGGGGTTGGGCCAA-3'

ClinVar aggregate classification (germline): Uncertain significance (1 of 4 stars; one submission).

Submission:

CeGaT Center for Human Genetics Tuebingen
Classification: Uncertain significance. Last evaluated: 2022-08-01. Review status: criteria provided, single submitter. Criteria: CeGaT Center For Human Genetics Tuebingen Variant Classification Criteria Version 2. Collection method: clinical testing. Allele origin: germline. Affected: yes. Observed: 1 variant allele.
Comment: ARSA: PM2, PM3, PP4, BP4